The following is an entry in ClinVar:

ClinVar aggregate classification (germline): Pathogenic (1 of 4 stars; one submission).

Allele frequency attached by ClinVar (database versions not stated): gnomAD exomes below 0.00001; gnomAD 0.00001; TOPMed 0.00002.
gnomAD v4.1: 2 of 1,573,202 alleles (0.00013%); highest among the groups gnomAD compares: African/African-American, 0.0013%; no homozygotes.

Submission:

Labcorp Genetics (formerly Invitae), Labcorp
Classification: Pathogenic. Last evaluated: 2023-10-13. Review status: criteria provided, single submitter. Criteria: Invitae Variant Classification Sherloc (09022015). Collection method: clinical testing. Allele origin: germline.
Comment: This sequence change creates a premature translational stop signal (p.Gly14*) in the CFD gene. It is expected to result in an absent or disrupted protein product. Loss-of-function variants in CFD are known to be pathogenic (PMID: 11724962). This variant is not present in population databases (gnomAD no frequency). This variant has not been reported in the literature in individuals affected with CFD-related conditions. ClinVar contains an entry for this variant (Variation ID: 2011547). For these reasons, this variant has been classified as Pathogenic.

Literature cited by the submitters: PubMed 11724962.

NM_001928.4(CFD):c.40G>T (p.Gly14Ter)

Gene: CFD (complement factor D; plus strand). Cytogenetic location: 19p13.3.
Variant type: single nucleotide variant.
Coding change: c.40G>T on transcript NM_001928.4 (MANE Select); coding-DNA position 40, G replaced by T.
Protein change: p.Gly14Ter; replaces glycine 14 with a stop codon.
Molecular consequence: nonsense.
Genome position (GRCh38, 1-based): chr19:859,729, G>T. VCF-style: chr19-859729-G-T. GRCh37 (hg19) VCF-style: chr19-859729-G-T.
Other names: c.40G>T, p.Gly14Ter (NM_001317335.2); short protein forms G14*.
Identifiers: ClinVar variation 2011547 (VCV002011547.4), dbSNP rs918406652, ClinGen allele CA303951273.